The following is an entry in ClinVar:

NM_024996.7(GFM1):c.1461G>C (p.Glu487Asp)

Gene: GFM1 (G elongation factor mitochondrial 1; plus strand). Cytogenetic location: 3q25.32.
Variant type: single nucleotide variant.
Coding change: c.1461G>C on transcript NM_024996.7 (MANE Select); coding-DNA position 1461, G replaced by C.
Protein change: p.Glu487Asp; replaces glutamic acid 487 with aspartic acid.
Molecular consequence: missense variant. On other transcripts: non-coding transcript variant (4).
Genome position (GRCh38, 1-based): chr3:158,665,417, G>C. VCF-style: chr3-158665417-G-C. GRCh37 (hg19) VCF-style: chr3-158383206-G-C.
Other names: c.894G>C, p.Glu298Asp (NM_001374360.1, NM_001374359.1); c.777G>C, p.Glu259Asp (NM_001374361.1); c.1518G>C, p.Glu506Asp (NM_001308164.2); c.1461G>C, p.Glu487Asp (NM_001308166.2); c.1380G>C, p.Glu460Asp (NM_001374355.1); c.1344G>C, p.Glu448Asp (NM_001374356.1); c.1236G>C, p.Glu412Asp (NM_001374357.1); c.1002G>C, p.Glu334Asp (NM_001374358.1); short protein forms E487D, E506D, E334D, E448D, E460D, E298D, E259D, E412D.
Identifiers: ClinVar variation 2110210 (VCV002110210.4), dbSNP rs2474007257, ClinGen allele CA355178341.

ClinVar aggregate classification (germline): Uncertain significance (1 of 4 stars; one submission).

Submission:

Labcorp Genetics (formerly Invitae), Labcorp
Classification: Uncertain significance. Last evaluated: 2022-07-27. Review status: criteria provided, single submitter. Criteria: Invitae Variant Classification Sherloc (09022015). Collection method: clinical testing. Allele origin: germline.
Comment: This sequence change replaces glutamic acid, which is acidic and polar, with aspartic acid, which is acidic and polar, at codon 487 of the GFM1 protein (p.Glu487Asp). This variant is not present in population databases (gnomAD no frequency). This variant has not been reported in the literature in individuals affected with GFM1-related conditions. Advanced modeling of protein sequence and biophysical properties (such as structural, functional, and spatial information, amino acid conservation, physicochemical variation, residue mobility, and thermodynamic stability) performed at Invitae indicates that this missense variant is not expected to disrupt GFM1 protein function. In summary, the available evidence is currently insufficient to determine the role of this variant in disease. Therefore, it has been classified as a Variant of Uncertain Significance.